The following is an entry in ClinVar:

NM_001289104.2(PRKCSH):c.893C>T (p.Thr298Met)

Gene: PRKCSH (PRKCSH beta subunit of glucosidase II; plus strand). Cytogenetic location: 19p13.2.
Variant type: single nucleotide variant.
Coding change: c.893C>T on transcript NM_001289104.2 (MANE Select); coding-DNA position 893, C replaced by T.
Protein change: p.Thr298Met; replaces threonine 298 with methionine.
Molecular consequence: missense variant.
Genome position (GRCh38, 1-based): chr19:11,447,482, C>T. VCF-style: chr19-11447482-C-T. GRCh37 (hg19) VCF-style: chr19-11558297-C-T.
Other names: c.893C>T (NM_002743.2); c.893C>T, p.Thr298Met (NM_001379609.1, NM_002743.3, NM_001289103.2 and 3 more transcripts); short protein forms T298M.
Identifiers: ClinVar variation 3383788 (VCV003383788.2).
Genomic context (GRCh38, chr19:11,447,482, plus strand): 5'-CACTGCTCACCCGCCAGGCACTGCCCACCGACCTTCCAGCACCTTCTGCCCCTGACTTGA[C>T]GGAGCCCAAGGAGGAGCAGCCGCCAGTGCCCTCGTCGCCCACAGAGGAGGAGGAGGAGGA-3'
Protein context (NP_001276033.1, residues 288-308): DLPAPSAPDL[Thr298Met]EPKEEQPPVP

ClinVar aggregate classification (germline): Uncertain significance. Review status: criteria provided, multiple submitters, no conflicts (2 of 4 stars). 2 submissions from 2 submitters: Uncertain significance (2). Last evaluated 2025-11-08.

Conditions:
Inborn genetic diseases. Identifiers: MedGen C0950123, MeSH D030342.

gnomAD v4.1: 28 of 1,613,844 alleles (0.0017%); highest among the groups gnomAD compares: Middle Eastern, 0.017%; no homozygotes.

Submissions (2):

Ambry Genetics
Classification: Uncertain significance for Inborn genetic diseases. Last evaluated: 2025-11-08. Review status: criteria provided, single submitter. Criteria: Ambry Variant Classification Scheme 2023. Collection method: clinical testing. Allele origin: germline.

GeneDx
Classification: Uncertain significance. Last evaluated: 2024-05-30. Review status: criteria provided, single submitter. Criteria: GeneDx Variant Classification Process June 2021. Collection method: clinical testing. Allele origin: germline. Affected: yes.
Comment: In silico analysis indicates that this missense variant does not alter protein structure/function; Has not been previously published as pathogenic or benign to our knowledge